The following is an entry in ClinVar:

ClinVar aggregate classification (germline): Conflicting classifications of pathogenicity. Review status: criteria provided, conflicting classifications (1 of 4 stars). 7 submissions from 7 submitters: Uncertain significance (1); Likely benign (5). 1 of the submissions does not count toward it. Last evaluated 2025-05-01.

Conditions:
Marfan syndrome (MFS). Also called: Marfan syndrome, classic; FBN1-Related Marfan Syndrome; Marfan syndrome type 1; Marfan's syndrome; MARFAN SYNDROME, TYPE I. Identifiers: Orphanet 284963, Orphanet 558, MedGen C0024796, MONDO:0007947, OMIM 154700.
Familial thoracic aortic aneurysm and aortic dissection (TAAD). Also called: Thoracic aortic aneurysms and dissections. Identifiers: Orphanet 91387, MedGen C4707243, MONDO:0019625.
FBN1-related disorder. Also called: FBN1-related disorders.

Allele frequency attached by ClinVar (database versions not stated): ESP Exome Variant Server 0.00008; 1000 Genomes Project 0.00020; gnomAD exomes 0.00001 and 0.00004; ExAC 0.00002; 1000 Genomes Project 30x 0.00031; gnomAD 0.00003; TOPMed 0.00004.
gnomAD v4.1: 22 of 1,613,848 alleles (0.0014%); highest among the groups gnomAD compares: African/African-American, 0.013%; no homozygotes.

Submissions (7):

Labcorp Genetics (formerly Invitae), Labcorp
Classification: Likely benign for Marfan syndrome; Familial thoracic aortic aneurysm and aortic dissection. Last evaluated: 2025-05-01. Review status: criteria provided, single submitter. Criteria: Invitae Variant Classification Sherloc (09022015). Collection method: clinical testing. Allele origin: germline.

Women's Health and Genetics/Laboratory Corporation of America, LabCorp
Classification: Likely benign. Last evaluated: 2024-12-06. Review status: criteria provided, single submitter. Criteria: LabCorp Variant Classification Summary - May 2015. Collection method: clinical testing. Allele origin: germline.

All of Us Research Program, National Institutes of Health
Classification: Likely benign for Marfan syndrome. Last evaluated: 2024-02-05. Review status: criteria provided, single submitter. Criteria: ACMG Guidelines, 2015. Collection method: clinical testing. Allele origin: germline. Inheritance: Autosomal dominant inheritance. Observed: 4 variant alleles, 4 heterozygotes.
Comment: This study involves interpretation of variants in research participants for the purpose of population health screening. Participant phenotype was not available at the time of variant classification. Additional details can be found in publication PMID: 35346344, PMCID: PMC8962531

Color Diagnostics, LLC DBA Color Health
Classification: Likely benign for Familial thoracic aortic aneurysm and aortic dissection. Last evaluated: 2022-11-06. Review status: criteria provided, single submitter. Criteria: ACMG Guidelines, 2015. Collection method: clinical testing. Allele origin: germline.

Ambry Genetics
Classification: Likely benign for Familial thoracic aortic aneurysm and aortic dissection. Last evaluated: 2017-04-28. Review status: criteria provided, single submitter. Criteria: Ambry Variant Classification Scheme 2023. Collection method: clinical testing. Allele origin: germline.

Eurofins Ntd Llc (ga)
Classification: Uncertain significance. Last evaluated: 2015-05-19. Review status: criteria provided, single submitter. Criteria: EGL Classification Definitions 2015. Collection method: clinical testing. Allele origin: germline. Observed: 1 variant allele, 1 heterozygote.

PreventionGenetics, part of Exact Sciences
Classification: Likely benign for FBN1-related condition. Last evaluated: 2024-07-15. Review status: no assertion criteria provided. Collection method: clinical testing. Allele origin: germline. Not counted in ClinVar's aggregate classification.
Comment: This variant is classified as likely benign based on ACMG/AMP sequence variant interpretation guidelines (Richards et al. 2015 PMID: 25741868, with internal and published modifications).

NM_000138.5(FBN1):c.6189G>A (p.Ala2063=)

Gene: FBN1 (fibrillin 1; minus strand). Cytogenetic location: 15q21.1.
Variant type: single nucleotide variant.
Coding change: c.6189G>A on transcript NM_000138.5 (MANE Select); coding-DNA position 6189, G replaced by A.
Protein change: p.Ala2063=; no amino-acid change (alanine 2063 retained).
Molecular consequence: synonymous variant.
Genome position (GRCh38, 1-based): chr15:48,437,892, C>T on the plus strand (G>A on the coding strand, the complement: FBN1 is on the minus strand). VCF-style: chr15-48437892-C-T. GRCh37 (hg19) VCF-style: chr15-48730089-C-T.
Identifiers: ClinVar variation 197919 (VCV000197919.22), dbSNP rs375624881, ClinGen allele CA016282.